The following is an entry in ClinVar:

ClinVar aggregate classification (germline): Pathogenic (1 of 4 stars; one submission).

Conditions:
Cystic fibrosis (CF). Also called: MUCOVISCIDOSIS. Identifiers: Orphanet 586, MedGen C0010674, MONDO:0009061, OMIM 219700. Disease mechanism: loss of function.

Submission:

Labcorp Genetics (formerly Invitae), Labcorp
Classification: Pathogenic for Cystic fibrosis. Last evaluated: 2023-01-31. Review status: criteria provided, single submitter. Criteria: Invitae Variant Classification Sherloc (09022015). Collection method: clinical testing. Allele origin: unknown.
Comment: For these reasons, this variant has been classified as Pathogenic. This variant disrupts a region of the CFTR protein in which other variant(s) (p.Gln1476*) have been determined to be pathogenic (PMID: 11938439, 22020151, 25910067, 28544683, 30444886). This suggests that this is a clinically significant region of the protein, and that variants that disrupt it are likely to be disease-causing. This variant has not been reported in the literature in individuals affected with CFTR-related conditions. This variant results in the deletion of part of exon 27 (c.4368_*61534del) of the CFTR gene. While this deletion is not anticipated to lead to nonsense mediated decay, it is expected to alter mRNA translation or result in a truncated protein product.

Literature cited by the submitters: PubMed 11938439; PubMed 22020151; PubMed 25910067; PubMed 28544683; PubMed 30444886.

NC_000007.13:g.(?_117307087)_(117368696_?)del

Genes: CFTR (CF transmembrane conductance regulator; plus strand), CTTNBP2 (cortactin binding protein 2; minus strand). Cytogenetic location: 7q31.2.
Variant type: Deletion.
Identifiers: ClinVar variation 3245689 (VCV003245689.1).